The following is an entry in ClinVar:

NM_000536.4(RAG2):c.1417A>G (p.Ser473Gly)

Gene: RAG2 (recombination activating 2; minus strand). Cytogenetic location: 11p12.
Variant type: single nucleotide variant.
Coding change: c.1417A>G on transcript NM_000536.4 (MANE Select); coding-DNA position 1417, A replaced by G.
Protein change: p.Ser473Gly; replaces serine 473 with glycine.
Molecular consequence: missense variant.
Genome position (GRCh38, 1-based): chr11:36,592,752, T>C on the plus strand (A>G on the coding strand, the complement: RAG2 is on the minus strand). VCF-style: chr11-36592752-T-C. GRCh37 (hg19) VCF-style: chr11-36614302-T-C.
Other names: c.1417A>G, p.Ser473Gly (NM_001243785.2, NM_001243786.2); short protein forms S473G.
Identifiers: ClinVar variation 4789404 (VCV004789404.1).

ClinVar aggregate classification (germline): Uncertain significance (1 of 4 stars; one submission).

Conditions:
Severe combined immunodeficiency, autosomal recessive, T cell-negative, B cell-negative, NK cell-positive. Also called: SCID, T CELL-NEGATIVE, B CELL-NEGATIVE, NK CELL-POSITIVE; SCID, AR, T-cell negative, B-cell negative, NK cell-positive; Severe combined immunodeficiency due to complete RAG1/2 deficiency. Identifiers: Orphanet 331206, MedGen C1832322, MONDO:0011086, OMIM 601457.
Combined immunodeficiency with skin granulomas. Identifiers: Orphanet 157949, MedGen C2673536, MONDO:0009306, OMIM 233650.

Submission:

Labcorp Genetics (formerly Invitae), Labcorp
Classification: Uncertain significance for Combined immunodeficiency with skin granulomas; Severe combined immunodeficiency, autosomal recessive, T cell-negative, B cell-negative, NK cell-positive. Last evaluated: 2025-07-08. Review status: criteria provided, single submitter. Criteria: Invitae Variant Classification Sherloc (09022015). Collection method: clinical testing. Allele origin: germline.
Comment: This sequence change replaces serine, which is neutral and polar, with glycine, which is neutral and non-polar, at codon 473 of the RAG2 protein (p.Ser473Gly). This variant is not present in population databases (gnomAD no frequency). This variant has not been reported in the literature in individuals affected with RAG2-related conditions. Invitae Evidence Modeling of protein sequence and biophysical properties (such as structural, functional, and spatial information, amino acid conservation, physicochemical variation, residue mobility, and thermodynamic stability) indicates that this missense variant is not expected to disrupt RAG2 protein function with a negative predictive value of 95%. In summary, the available evidence is currently insufficient to determine the role of this variant in disease. Therefore, it has been classified as a Variant of Uncertain Significance.